The following is an entry in ClinVar:

ClinVar aggregate classification (germline): Uncertain significance. Review status: criteria provided, multiple submitters, no conflicts (2 of 4 stars). 2 submissions from 2 submitters: Uncertain significance (2). Last evaluated 2025-07-04.

Allele frequency attached by ClinVar (database versions not stated): TOPMed below 0.00001; ExAC 0.00001; gnomAD exomes 0.00001.
gnomAD v4.1: 9 of 1,613,960 alleles (0.00056%); highest among the groups gnomAD compares: Admixed American, 0.0033%; no homozygotes.

Submissions (2):

Ambry Genetics
Classification: Uncertain significance. Last evaluated: 2025-07-04. Review status: criteria provided, single submitter. Criteria: Ambry Variant Classification Scheme 2023. Collection method: clinical testing. Allele origin: germline.
Comment: The p.T640P variant (also known as c.1918A>C), located in coding exon 13 of the GEN1 gene, results from an A to C substitution at nucleotide position 1918. The threonine at codon 640 is replaced by proline, an amino acid with highly similar properties. This amino acid position is conserved. In addition, this alteration is predicted to be tolerated by in silico analysis. Based on the available evidence, the clinical significance of this variant remains unclear.

Labcorp Genetics (formerly Invitae), Labcorp
Classification: Uncertain significance. Last evaluated: 2023-04-11. Review status: criteria provided, single submitter. Criteria: Invitae Variant Classification Sherloc (09022015). Collection method: clinical testing. Allele origin: germline.
Comment: In summary, the available evidence is currently insufficient to determine the role of this variant in disease. Therefore, it has been classified as a Variant of Uncertain Significance. An algorithm developed to predict the effect of missense changes on protein structure and function (PolyPhen-2) suggests that this variant is likely to be tolerated. ClinVar contains an entry for this variant (Variation ID: 1901096). This variant has not been reported in the literature in individuals affected with GEN1-related conditions. This variant is present in population databases (rs778396849, gnomAD 0.003%). This sequence change replaces threonine, which is neutral and polar, with proline, which is neutral and non-polar, at codon 640 of the GEN1 protein (p.Thr640Pro).

NM_001130009.3(GEN1):c.1918A>C (p.Thr640Pro)

Gene: GEN1 (GEN1 structure-specific endonuclease; plus strand). Cytogenetic location: 2p24.2.
Variant type: single nucleotide variant.
Coding change: c.1918A>C on transcript NM_001130009.3 (MANE Select); coding-DNA position 1918, A replaced by C.
Protein change: p.Thr640Pro; replaces threonine 640 with proline.
Molecular consequence: missense variant.
Genome position (GRCh38, 1-based): chr2:17,781,130, A>C. VCF-style: chr2-17781130-A-C. GRCh37 (hg19) VCF-style: chr2-17962397-A-C.
Other names: c.1918A>C (NM_001130009.1); c.1918A>C, p.Thr640Pro (NM_182625.5); short protein forms T640P.
Identifiers: ClinVar variation 1901096 (VCV001901096.8), dbSNP rs778396849, ClinGen allele CA1540851.